The following is an entry in ClinVar:

NM_001001563.5(TIMM50):c.557C>A (p.Pro186His)

Gene: TIMM50 (translocase of inner mitochondrial membrane 50; plus strand). Cytogenetic location: 19q13.2.
Variant type: single nucleotide variant.
Coding change: c.557C>A on transcript NM_001001563.5 (MANE Select); coding-DNA position 557, C replaced by A.
Protein change: p.Pro186His; replaces proline 186 with histidine.
Molecular consequence: missense variant.
Genome position (GRCh38, 1-based): chr19:39,486,251, C>A. VCF-style: chr19-39486251-C-A. GRCh37 (hg19) VCF-style: chr19-39976891-C-A.
Other names: c.218C>A, p.Pro73His (NM_001329559.2); short protein forms P186H, P73H.
Identifiers: ClinVar variation 3605842 (VCV003605842.2).

ClinVar aggregate classification (germline): Uncertain significance (1 of 4 stars; one submission).

gnomAD v4.1: 5 of 1,614,152 alleles (0.00031%); highest among the groups gnomAD compares: Non-Finnish European, 0.00042%; no homozygotes.

Submission:

Labcorp Genetics (formerly Invitae), Labcorp
Classification: Uncertain significance. Last evaluated: 2024-03-21. Review status: criteria provided, single submitter. Criteria: Invitae Variant Classification Sherloc (09022015). Collection method: clinical testing. Allele origin: germline.
Comment: This sequence change replaces proline, which is neutral and non-polar, with histidine, which is basic and polar, at codon 289 of the TIMM50 protein (p.Pro289His). This variant is present in population databases (rs752824491, gnomAD 0.002%). This variant has not been reported in the literature in individuals affected with TIMM50-related conditions. Advanced modeling of protein sequence and biophysical properties (such as structural, functional, and spatial information, amino acid conservation, physicochemical variation, residue mobility, and thermodynamic stability) performed at Invitae indicates that this missense variant is not expected to disrupt TIMM50 protein function with a negative predictive value of 80%. In summary, the available evidence is currently insufficient to determine the role of this variant in disease. Therefore, it has been classified as a Variant of Uncertain Significance.